The following is an entry in ClinVar:

ClinVar aggregate classification (germline): Likely benign (1 of 4 stars; one submission).

Conditions:
GAPVD1-related disorder. Also called: GAPVD1-related condition.

gnomAD v4.1: 12 of 1,614,212 alleles (0.00074%); highest among the groups gnomAD compares: Admixed American, 0.02%; no homozygotes.

Submission:

PreventionGenetics, part of Exact Sciences
Classification: Likely benign for GAPVD1-related condition. Last evaluated: 2025-07-17. Review status: criteria provided, single submitter. Criteria: ACMG Guidelines, 2015. Collection method: clinical testing. Allele origin: germline.
Comment: This variant is classified as likely benign based on ACMG/AMP sequence variant interpretation guidelines (Richards et al. 2015 PMID: 25741868, with internal and published modifications).

NM_001282680.3(GAPVD1):c.2619C>T (p.Asn873=)

Gene: GAPVD1 (GTPase activating protein and VPS9 domains 1; plus strand). Cytogenetic location: 9q33.3.
Variant type: single nucleotide variant.
Coding change: c.2619C>T on transcript NM_001282680.3 (MANE Select); coding-DNA position 2619, C replaced by T.
Protein change: p.Asn873=; no amino-acid change (asparagine 873 retained).
Molecular consequence: synonymous variant. On other transcripts: non-coding transcript variant (2).
Genome position (GRCh38, 1-based): chr9:125,337,333, C>T. VCF-style: chr9-125337333-C-T. GRCh37 (hg19) VCF-style: chr9-128099612-C-T.
Other names: c.2619C>T, p.Asn873= (NM_001282679.2, NM_001330778.3, NM_001354294.2 and 4 more transcripts); c.2556C>T, p.Asn852= (NM_001282681.3, NM_001330777.3, NM_001354297.2 and 2 more transcripts); c.2700C>T, p.Asn900= (NM_001354298.2, NM_015635.4); c.2637C>T, p.Asn879= (NM_001438415.1).
Identifiers: ClinVar variation 4981368 (VCV004981368.1).